The following is an entry in ClinVar:

ClinVar aggregate classification (germline): Likely benign. Review status: criteria provided, multiple submitters, no conflicts (2 of 4 stars). 3 submissions from 3 submitters: Likely benign (2). 1 of the submissions does not count toward it. Last evaluated 2025-09-16.

Conditions:
KIF5A-related disorder. Also called: KIF5A-related condition; KIF5A-related disorders.
Spastic paraplegia. Identifiers: MedGen C0037772, HP:0001258.

Allele frequency attached by ClinVar (database versions not stated): TOPMed below 0.00001; gnomAD 0.00002; gnomAD exomes 0.00002; ExAC 0.00004.
gnomAD v4.1: 30 of 1,613,984 alleles (0.0019%); highest among the groups gnomAD compares: South Asian, 0.015%; no homozygotes.

Submissions (3):

Mayo Clinic Laboratories, Mayo Clinic
Classification: Likely benign. Last evaluated: 2025-09-16. Review status: criteria provided, single submitter. Criteria: ACMG Guidelines, 2015. Collection method: clinical testing. Allele origin: germline. Observed: 1 variant allele.
Comment: BP4, BP7

Labcorp Genetics (formerly Invitae), Labcorp
Classification: Likely benign for Spastic paraplegia. Last evaluated: 2025-06-08. Review status: criteria provided, single submitter. Criteria: Invitae Variant Classification Sherloc (09022015). Collection method: clinical testing. Allele origin: germline.

PreventionGenetics, part of Exact Sciences
Classification: Likely benign for KIF5A-related condition. Last evaluated: 2019-04-24. Review status: no assertion criteria provided. Collection method: clinical testing. Allele origin: germline. Not counted in ClinVar's aggregate classification.
Comment: This variant is classified as likely benign based on ACMG/AMP sequence variant interpretation guidelines (Richards et al. 2015 PMID: 25741868, with internal and published modifications).

NM_004984.4(KIF5A):c.2709C>T (p.Ala903=)

Gene: KIF5A (kinesin family member 5A; plus strand). Cytogenetic location: 12q13.3.
Variant type: single nucleotide variant.
Coding change: c.2709C>T on transcript NM_004984.4 (MANE Select); coding-DNA position 2709, C replaced by T.
Protein change: p.Ala903=; no amino-acid change (alanine 903 retained).
Molecular consequence: synonymous variant.
Genome position (GRCh38, 1-based): chr12:57,581,126, C>T. VCF-style: chr12-57581126-C-T. GRCh37 (hg19) VCF-style: chr12-57974909-C-T.
Other names: p.Ala903=; c.2709C>T (NM_004984.2); c.2442C>T, p.Ala814= (NM_001354705.2).
Identifiers: ClinVar variation 2069125 (VCV002069125.7), dbSNP rs765374123, ClinGen allele CA6653176.